The following is an entry in ClinVar:

NM_017415.3(KLHL3):c.74C>T (p.Thr25Met)

Gene: KLHL3 (kelch like family member 3; minus strand). Cytogenetic location: 5q31.2.
Variant type: single nucleotide variant.
Coding change: c.74C>T on transcript NM_017415.3 (MANE Select); coding-DNA position 74, C replaced by T.
Protein change: p.Thr25Met; replaces threonine 25 with methionine.
Molecular consequence: missense variant. On other transcripts: 5 prime UTR variant (1).
Genome position (GRCh38, 1-based): chr5:137,720,525, G>A on the plus strand (C>T on the coding strand, the complement: KLHL3 is on the minus strand). VCF-style: chr5-137720525-G-A. GRCh37 (hg19) VCF-style: chr5-137056214-G-A.
Other names: c.-23C>T (NM_001257194.1); short protein forms T25M.
Identifiers: ClinVar variation 2383861 (VCV002383861.7), dbSNP rs150474094, ClinGen allele CA3422575.

ClinVar aggregate classification (germline): Uncertain significance. Review status: criteria provided, multiple submitters, no conflicts (2 of 4 stars). 4 submissions from 4 submitters: Uncertain significance (4). Last evaluated 2025-12-23.

Conditions:
Inborn genetic diseases. Identifiers: MedGen C0950123, MeSH D030342.
Pseudohypoaldosteronism type 2D (PHA2D). Also called: FAMILIAL HYPERKALEMIC HYPERTENSION; PSEUDOHYPOALDOSTERONISM, TYPE IID, AUTOSOMAL DOMINANT OR RECESSIVE; Pseudohypoaldosteronism Type IID. Identifiers: Orphanet 300525, Orphanet 757, MedGen C3469605, MONDO:0013781, OMIM 614495.

Allele frequency attached by ClinVar (database versions not stated): gnomAD exomes 0.00005; ExAC 0.00012; 1000 Genomes Project 30x 0.00031; ESP Exome Variant Server 0.00031; 1000 Genomes Project 0.00040; gnomAD 0.00046; TOPMed 0.00046.
gnomAD v4.1: 140 of 1,614,112 alleles (0.0087%); highest among the groups gnomAD compares: African/African-American, 0.15%; no homozygotes.

Submissions (4):

Labcorp Genetics (formerly Invitae), Labcorp
Classification: Uncertain significance. Last evaluated: 2025-12-23. Review status: criteria provided, single submitter. Criteria: Invitae Variant Classification Sherloc (09022015). Collection method: clinical testing. Allele origin: germline.
Comment: This sequence change replaces threonine, which is neutral and polar, with methionine, which is neutral and non-polar, at codon 25 of the KLHL3 protein (p.Thr25Met). This variant is present in population databases (rs150474094, gnomAD 0.1%). This variant has not been reported in the literature in individuals affected with KLHL3-related conditions. ClinVar contains an entry for this variant (Variation ID: 2383861). An algorithm developed to predict the effect of missense changes on protein structure and function outputs the following: PolyPhen-2: "Benign". The methionine amino acid residue is found in multiple mammalian species, which suggests that this missense change does not adversely affect protein function. In summary, the available evidence is currently insufficient to determine the role of this variant in disease. Therefore, it has been classified as a Variant of Uncertain Significance.

Women's Health and Genetics/Laboratory Corporation of America, LabCorp
Classification: Uncertain significance. Last evaluated: 2024-09-09. Review status: criteria provided, single submitter. Criteria: LabCorp Variant Classification Summary - May 2015. Collection method: clinical testing. Allele origin: germline.
Comment: Variant summary: KLHL3 c.74C>T (p.Thr25Met) results in a non-conservative amino acid change in the encoded protein sequence. Four of five in-silico tools predict a benign effect of the variant on protein function. The variant allele was found at a frequency of 0.00011 in 251338 control chromosomes. This frequency is not significantly higher than estimated for a pathogenic variant in KLHL3 causing Pseudohypoaldosteronism Type 2D, allowing no conclusion about variant significance. To our knowledge, no occurrence of c.74C>T in individuals affected with Pseudohypoaldosteronism Type 2D and no experimental evidence demonstrating its impact on protein function have been reported. ClinVar contains an entry for this variant (Variation ID: 2383861). Based on the evidence outlined above, the variant was classified as uncertain significance.

Fulgent Genetics
Classification: Uncertain significance for Pseudohypoaldosteronism type 2D. Last evaluated: 2024-06-04. Review status: criteria provided, single submitter. Criteria: ACMG Guidelines, 2015. Collection method: clinical testing. Allele origin: germline.

Ambry Genetics
Classification: Uncertain significance for Inborn genetic diseases. Last evaluated: 2021-08-10. Review status: criteria provided, single submitter. Criteria: Ambry Variant Classification Scheme 2023. Collection method: clinical testing. Allele origin: germline.